The following is an entry in ClinVar:

ClinVar aggregate classification (germline): Uncertain significance (1 of 4 stars; one submission).

Conditions:
Joubert syndrome 14 (JBTS14). Identifiers: MedGen C3280766, MONDO:0013745, OMIM 614424.

Submission:

Labcorp Genetics (formerly Invitae), Labcorp
Classification: Uncertain significance for Joubert syndrome 14. Last evaluated: 2022-07-19. Review status: criteria provided, single submitter. Criteria: Invitae Variant Classification Sherloc (09022015). Collection method: clinical testing. Allele origin: germline.
Comment: In summary, the available evidence is currently insufficient to determine the role of this variant in disease. Therefore, it has been classified as a Variant of Uncertain Significance. Algorithms developed to predict the effect of missense changes on protein structure and function output the following: SIFT: "Deleterious"; PolyPhen-2: "Benign"; Align-GVGD: "Class C0". The leucine amino acid residue is found in multiple mammalian species, which suggests that this missense change does not adversely affect protein function. ClinVar contains an entry for this variant (Variation ID: 1346033). This variant has not been reported in the literature in individuals affected with TMEM237-related conditions. This variant is not present in population databases (gnomAD no frequency). This sequence change replaces valine, which is neutral and non-polar, with leucine, which is neutral and non-polar, at codon 360 of the TMEM237 protein (p.Val360Leu).

NM_001044385.3(TMEM237):c.1078G>C (p.Val360Leu)

Gene: TMEM237 (transmembrane protein 237; minus strand). Cytogenetic location: 2q33.1.
Variant type: single nucleotide variant.
Coding change: c.1078G>C on transcript NM_001044385.3 (MANE Select); coding-DNA position 1078, G replaced by C.
Protein change: p.Val360Leu; replaces valine 360 with leucine.
Molecular consequence: missense variant.
Genome position (GRCh38, 1-based): chr2:201,626,107, C>G on the plus strand (G>C on the coding strand, the complement: TMEM237 is on the minus strand). VCF-style: chr2-201626107-C-G. GRCh37 (hg19) VCF-style: chr2-202490830-C-G.
Other names: c.1054G>C, p.Val352Leu (NM_152388.4); short protein forms V352L, V360L.
Identifiers: ClinVar variation 1346033 (VCV001346033.8), dbSNP rs1957756642, ClinGen allele CA350304629.
Genomic context (GRCh38, chr2:201,626,107, plus strand): 5'-GCCTATAAGACAAAAATAGCCAAGATAATCCAACCAGAAGAGCCACCACGAGATTCACCA[C>G]AATCCATGGCTGGAGAATCTGTTCCTCAATTCCTGCTTCCCTAAAAATGTAGAAACACTC-3'
Protein context (NP_001037850.1, residues 350-370): IEEQILQPWI[Val360Leu]VNLVVALLVG